The following is an entry in ClinVar:

ClinVar aggregate classification (germline): Uncertain significance (1 of 4 stars; one submission).

Submission:

Labcorp Genetics (formerly Invitae), Labcorp
Classification: Uncertain significance. Last evaluated: 2022-04-28. Review status: criteria provided, single submitter. Criteria: Invitae Variant Classification Sherloc (09022015). Collection method: clinical testing. Allele origin: germline.
Comment: This sequence change replaces proline, which is neutral and non-polar, with leucine, which is neutral and non-polar, at codon 105 of the MAGEL2 protein (p.Pro105Leu). In summary, the available evidence is currently insufficient to determine the role of this variant in disease. Therefore, it has been classified as a Variant of Uncertain Significance. Experimental studies and prediction algorithms are not available or were not evaluated, and the functional significance of this variant is currently unknown. This variant has not been reported in the literature in individuals affected with MAGEL2-related conditions. This variant is not present in population databases (gnomAD no frequency).

NM_019066.5(MAGEL2):c.314C>T (p.Pro105Leu)

Gene: MAGEL2 (MAGE family member L2; minus strand). Cytogenetic location: 15q11.2.
Variant type: single nucleotide variant.
Coding change: c.314C>T on transcript NM_019066.5 (MANE Select); coding-DNA position 314, C replaced by T.
Protein change: p.Pro105Leu; replaces proline 105 with leucine.
Molecular consequence: missense variant.
Genome position (GRCh38, 1-based): chr15:23,647,429, G>A on the plus strand (C>T on the coding strand, the complement: MAGEL2 is on the minus strand). VCF-style: chr15-23647429-G-A. GRCh37 (hg19) VCF-style: chr15-23892576-G-A.
Other names: short protein forms P105L.
Identifiers: ClinVar variation 2116883 (VCV002116883.4), dbSNP rs1890443425, ClinGen allele CA391337472.
Genomic context (GRCh38, chr15:23,647,429, plus strand): 5'-GGGGTCGGAGGCTGGGCCATCGGGGCTCCCGGAGGTGGAGGATGCACCATCAGGACCCCG[G>A]GAGTCGGAGGCTTACCCATCGGGCCCCCCAGCGGGGGAGCCGGGACTATCGGGCCCCCTA-3'
Protein context (NP_061939.3, residues 95-115): LGGPMGKPPT[Pro105Leu]GVLMVHPPPP